The following is an entry in ClinVar:

ClinVar aggregate classification (germline): Uncertain significance (1 of 4 stars; one submission).

Conditions:
Ritscher-Schinzel syndrome. Also called: CRANIOCEREBELLOCARDIAC DYSPLASIA. Identifiers: Orphanet 7, MedGen C0796137, MONDO:0019078.
Hereditary spastic paraplegia 8 (SPG8). Also called: SPASTIC PARAPLEGIA 8, AUTOSOMAL DOMINANT. Identifiers: Orphanet 100989, MedGen C1863704, MONDO:0011339, OMIM 603563.

Submission:

Labcorp Genetics (formerly Invitae), Labcorp
Classification: Uncertain significance for Ritscher-Schinzel syndrome; Hereditary spastic paraplegia 8. Last evaluated: 2020-03-18. Review status: criteria provided, single submitter. Criteria: Invitae Variant Classification Sherloc (09022015). Collection method: clinical testing. Allele origin: germline.
Comment: In summary, the available evidence is currently insufficient to determine the role of this variant in disease. Therefore, it has been classified as a Variant of Uncertain Significance. This sequence change replaces tyrosine with serine at codon 930 of the WASHC5 protein (p.Tyr930Ser). The tyrosine residue is highly conserved and there is a large physicochemical difference between tyrosine and serine. This variant is not present in population databases (ExAC no frequency). This variant has not been reported in the literature in individuals with WASHC5-related conditions. Algorithms developed to predict the effect of missense changes on protein structure and function are either unavailable or do not agree on the potential impact of this missense change (SIFT: "Deleterious"; PolyPhen-2: "Probably Damaging"; Align-GVGD: "Class C0").

NM_014846.4(WASHC5):c.2789A>C (p.Tyr930Ser)

Genes: WASHC5 (WASH complex subunit 5; minus strand), WASHC5-AS1 (WASHC5 antisense RNA 1; plus strand). Cytogenetic location: 8q24.13.
Variant type: single nucleotide variant.
Coding change: c.2789A>C on transcript NM_014846.4 (MANE Select); coding-DNA position 2789, A replaced by C.
Protein change: p.Tyr930Ser; replaces tyrosine 930 with serine.
Molecular consequence: missense variant.
Genome position (GRCh38, 1-based): chr8:125,043,886, T>G on the plus strand (A>C on the coding strand, the complement: WASHC5 is on the minus strand). VCF-style: chr8-125043886-T-G. GRCh37 (hg19) VCF-style: chr8-126056128-T-G.
Other names: c.2345A>C, p.Tyr782Ser (NM_001330609.2); short protein forms Y782S, Y930S.
Identifiers: ClinVar variation 862403 (VCV000862403.9), dbSNP rs1815970512, ClinGen allele CA372187334.